The following is an entry in ClinVar:

ClinVar aggregate classification (germline): Uncertain significance. Review status: criteria provided, multiple submitters, no conflicts (2 of 4 stars). 2 submissions from 2 submitters: Uncertain significance (2). Last evaluated 2025-08-12.

Conditions:
Inborn genetic diseases. Identifiers: MedGen C0950123, MeSH D030342.
Curry-Hall syndrome (WAD). Also called: WEYERS ACRODENTAL DYSOSTOSIS. Identifiers: Orphanet 952, MedGen C0457013, MONDO:0008673, OMIM 193530.
Ellis-van Creveld syndrome (EVC). Also called: EVC-Related Ellis-van Creveld Syndrome; EVC2-Related Ellis-van Creveld Syndrome; MESOECTODERMAL DYSPLASIA; Chondroectodermal dysplasia. Identifiers: Orphanet 289, MedGen C0013903, MONDO:0009162, OMIM 225500.

gnomAD v4.1: 101 of 1,614,064 alleles (0.0063%); highest among the groups gnomAD compares: Non-Finnish European, 0.0086%; no homozygotes.

Submissions (2):

Labcorp Genetics (formerly Invitae), Labcorp
Classification: Uncertain significance for Curry-Hall syndrome; Ellis-van Creveld syndrome. Last evaluated: 2025-08-12. Review status: criteria provided, single submitter. Criteria: Invitae Variant Classification Sherloc (09022015). Collection method: clinical testing. Allele origin: germline.
Comment: This sequence change replaces threonine, which is neutral and polar, with isoleucine, which is neutral and non-polar, at codon 1268 of the EVC2 protein (p.Thr1268Ile). This variant is present in population databases (rs756510211, gnomAD 0.003%). This variant has not been reported in the literature in individuals affected with EVC2-related conditions. An algorithm developed to predict the effect of missense changes on protein structure and function (PolyPhen-2) suggests that this variant is likely to be disruptive. In summary, the available evidence is currently insufficient to determine the role of this variant in disease. Therefore, it has been classified as a Variant of Uncertain Significance.

Ambry Genetics
Classification: Uncertain significance for Inborn genetic diseases. Last evaluated: 2025-08-09. Review status: criteria provided, single submitter. Criteria: Ambry Variant Classification Scheme 2023. Collection method: clinical testing. Allele origin: germline.

NM_147127.5(EVC2):c.3803C>T (p.Thr1268Ile)

Gene: EVC2 (EvC ciliary complex subunit 2; minus strand). Cytogenetic location: 4p16.2.
Variant type: single nucleotide variant.
Coding change: c.3803C>T on transcript NM_147127.5 (MANE Select); coding-DNA position 3803, C replaced by T.
Protein change: p.Thr1268Ile; replaces threonine 1268 with isoleucine.
Molecular consequence: missense variant.
Genome position (GRCh38, 1-based): chr4:5,562,972, G>A on the plus strand (C>T on the coding strand, the complement: EVC2 is on the minus strand). VCF-style: chr4-5562972-G-A. GRCh37 (hg19) VCF-style: chr4-5564699-G-A.
Other names: c.3563C>T, p.Thr1188Ile (NM_001166136.2); short protein forms T1188I, T1268I.
Identifiers: ClinVar variation 4251546 (VCV004251546.2).
Genomic context (GRCh38, chr4:5,562,972, plus strand): 5'-GGAACGTGCAGTGAGATCTCTGGCTCCTTTGGATTTCTGAATATAAAGAGCTTCTCTCCT[G>A]TGTTTAATAGATCAATGGTTTCTGCCCCTACAATGGGTACAGGGGCCAGTTCGCCAATGG-3'
Protein context (NP_667338.3, residues 1258-1278): VGAETIDLLN[Thr1268Ile]GEKLFIFRNP